The following is an entry in ClinVar:

NM_001851.6(COL9A1):c.1966C>A (p.Pro656Thr)

Gene: COL9A1 (collagen type IX alpha 1 chain; minus strand). Cytogenetic location: 6q13.
Variant type: single nucleotide variant.
Coding change: c.1966C>A on transcript NM_001851.6 (MANE Select); coding-DNA position 1966, C replaced by A.
Protein change: p.Pro656Thr; replaces proline 656 with threonine.
Molecular consequence: missense variant. On other transcripts: non-coding transcript variant (1).
Genome position (GRCh38, 1-based): chr6:70,241,996, G>T on the plus strand (C>A on the coding strand, the complement: COL9A1 is on the minus strand). VCF-style: chr6-70241996-G-T. GRCh37 (hg19) VCF-style: chr6-70951699-G-T.
Other names: c.1267C>A, p.Pro423Thr (NM_001377289.1); c.1237C>A, p.Pro413Thr (NM_001377290.1, NM_078485.4); short protein forms P423T, P413T, P656T.
Identifiers: ClinVar variation 1487802 (VCV001487802.7), dbSNP rs773476642, ClinGen allele CA3881935.

ClinVar aggregate classification (germline): Uncertain significance (1 of 4 stars; one submission).

gnomAD v4.1: 8 of 1,599,730 alleles (0.0005%); highest among the groups gnomAD compares: Non-Finnish European, 0.00068%; no homozygotes.

Submission:

Labcorp Genetics (formerly Invitae), Labcorp
Classification: Uncertain significance. Last evaluated: 2022-06-27. Review status: criteria provided, single submitter. Criteria: Invitae Variant Classification Sherloc (09022015). Collection method: clinical testing. Allele origin: germline.
Comment: In summary, the available evidence is currently insufficient to determine the role of this variant in disease. Therefore, it has been classified as a Variant of Uncertain Significance. Advanced modeling of protein sequence and biophysical properties (such as structural, functional, and spatial information, amino acid conservation, physicochemical variation, residue mobility, and thermodynamic stability) performed at Invitae indicates that this missense variant is not expected to disrupt COL9A1 protein function. This variant has not been reported in the literature in individuals affected with COL9A1-related conditions. The frequency data for this variant in the population databases is considered unreliable, as metrics indicate poor data quality at this position in the gnomAD database. This sequence change replaces proline, which is neutral and non-polar, with threonine, which is neutral and polar, at codon 656 of the COL9A1 protein (p.Pro656Thr).